The following is an entry in ClinVar:

NM_000368.5(TSC1):c.35C>A (p.Ala12Asp)

Gene: TSC1 (TSC complex subunit 1; minus strand). Cytogenetic location: 9q34.13.
Variant type: single nucleotide variant.
Coding change: c.35C>A on transcript NM_000368.5 (MANE Select); coding-DNA position 35, C replaced by A.
Protein change: p.Ala12Asp; replaces alanine 12 with aspartic acid.
Molecular consequence: missense variant. On other transcripts: 5 prime UTR variant (16), non-coding transcript variant (5), intron variant (2).
Genome position (GRCh38, 1-based): chr9:132,928,838, G>T on the plus strand (C>A on the coding strand, the complement: TSC1 is on the minus strand). VCF-style: chr9-132928838-G-T. GRCh37 (hg19) VCF-style: chr9-135804225-G-T.
Other names: c.35C>A, p.Ala12Asp (NM_001162426.2, NM_001162427.2, NM_001406592.1 and 21 more transcripts); c.-225C>A (NM_001362177.2, NM_001406617.1, NM_001406619.1 and 3 more transcripts); c.-317C>A (NM_001406614.1); c.-454C>A (NM_001406615.1, NM_001406623.1); c.-421C>A (NM_001406616.1, NM_001406624.1); c.-843C>A (NM_001406626.1, NM_001406627.1, NM_001406628.1); c.-985C>A (NM_001406629.1); c.-1059C>A (NM_001406630.1); and 1 more; short protein forms A12D.
Identifiers: ClinVar variation 3656683 (VCV003656683.2).

ClinVar aggregate classification (germline): Uncertain significance (1 of 4 stars; one submission).

Conditions:
Tuberous sclerosis 1 (TSC1). Identifiers: Orphanet 805, MedGen C1854465, MONDO:0008612, OMIM 191100.

Submission:

Labcorp Genetics (formerly Invitae), Labcorp
Classification: Uncertain significance for Tuberous sclerosis 1. Last evaluated: 2024-06-15. Review status: criteria provided, single submitter. Criteria: Invitae Variant Classification Sherloc (09022015). Collection method: clinical testing. Allele origin: germline.
Comment: This sequence change replaces alanine, which is neutral and non-polar, with aspartic acid, which is acidic and polar, at codon 12 of the TSC1 protein (p.Ala12Asp). This variant is not present in population databases (gnomAD no frequency). This variant has not been reported in the literature in individuals affected with TSC1-related conditions. Advanced modeling of protein sequence and biophysical properties (such as structural, functional, and spatial information, amino acid conservation, physicochemical variation, residue mobility, and thermodynamic stability) performed at Invitae indicates that this missense variant is not expected to disrupt TSC1 protein function with a negative predictive value of 95%. In summary, the available evidence is currently insufficient to determine the role of this variant in disease. Therefore, it has been classified as a Variant of Uncertain Significance.